The following is an entry in ClinVar:

ClinVar aggregate classification (germline): Likely pathogenic (1 of 4 stars; one submission).

Conditions:
Autosomal recessive limb-girdle muscular dystrophy type 2J (LGMDR10). Also called: Limb-girdle muscular dystrophy, type 2J; MUSCULAR DYSTROPHY, LIMB-GIRDLE, AUTOSOMAL RECESSIVE 10. Identifiers: Orphanet 140922, MedGen C1837342, MONDO:0012127, OMIM 608807.
Dilated cardiomyopathy 1G (CMD1G). Identifiers: Orphanet 154, MedGen C1858763, MONDO:0011400, OMIM 604145.

Submission:

Labcorp Genetics (formerly Invitae), Labcorp
Classification: Likely pathogenic for Dilated cardiomyopathy 1G; Autosomal recessive limb-girdle muscular dystrophy type 2J. Last evaluated: 2024-04-09. Review status: criteria provided, single submitter. Criteria: Invitae Variant Classification Sherloc (09022015). Collection method: clinical testing. Allele origin: germline.
Comment: This sequence change affects a donor splice site in intron 168 of the TTN gene. It is expected to disrupt RNA splicing and likely results in a truncated or disrupted TTN protein. This variant is not present in population databases (gnomAD no frequency). This variant has not been reported in the literature in individuals affected with TTN-related conditions. Algorithms developed to predict the effect of sequence changes on RNA splicing suggest that this variant may disrupt the consensus splice site. This variant is located in the I band of TTN (PMID: 25589632). Truncating variants in this region have been reported in individuals affected with autosomal recessive centronuclear myopathy (PMID: 23975875, Invitae internal data). Truncating variants in this region have also been identified in individuals affected with autosomal dominant dilated cardiomyopathy and/or cardio-related conditions (PMID: 27869827, 32964742, Invitae internal data). In summary, the currently available evidence indicates that the variant is pathogenic, but additional data are needed to prove that conclusively. Therefore, this variant has been classified as Likely Pathogenic.

Literature cited by the submitters: PubMed 25589632; PubMed 23975875; PubMed 27869827; PubMed 32964742.

NM_001267550.2(TTN):c.36280+1G>C

Gene: TTN (titin; minus strand). Cytogenetic location: 2q31.2.
Variant type: single nucleotide variant.
Coding change: c.36280+1G>C on transcript NM_001267550.2 (MANE Select); the canonical splice donor site of the intron after coding-DNA position 36280, G replaced by C.
Molecular consequence: splice donor variant. On other transcripts: intron variant (5).
Genome position (GRCh38, 1-based): chr2:178,664,459, C>G on the plus strand (G>C on the coding strand, the complement: TTN is on the minus strand). VCF-style: chr2-178664459-C-G. GRCh37 (hg19) VCF-style: chr2-179529186-C-G.
Other names: c.13283-22142G>C (NM_003319.4); c.13859-22142G>C (NM_133437.4); c.13658-22142G>C (NM_133432.3); c.31484-1404G>C (NM_133378.4); c.34265-1404G>C (NM_001256850.1).
Identifiers: ClinVar variation 3761422 (VCV003761422.2).